The following is an entry in ClinVar:

ClinVar aggregate classification (germline): Uncertain significance (1 of 4 stars; one submission).

Conditions:
Inborn genetic diseases. Identifiers: MedGen C0950123, MeSH D030342.

Submission:

Ambry Genetics
Classification: Uncertain significance for Inborn genetic diseases. Last evaluated: 2023-11-18. Review status: criteria provided, single submitter. Criteria: Ambry Variant Classification Scheme 2023. Collection method: clinical testing. Allele origin: germline.
Comment: The p.K1185R variant (also known as c.3554A>G), located in coding exon 18 of the ATR gene, results from an A to G substitution at nucleotide position 3554. The lysine at codon 1185 is replaced by arginine, an amino acid with highly similar properties. This amino acid position is conserved. In addition, this alteration is predicted to be tolerated by in silico analysis. Since supporting evidence is limited at this time, the clinical significance of this alteration remains unclear.

NM_001184.4(ATR):c.3554A>G (p.Lys1185Arg)

Gene: ATR (ATR checkpoint kinase; minus strand). Cytogenetic location: 3q23.
Variant type: single nucleotide variant.
Coding change: c.3554A>G on transcript NM_001184.4 (MANE Select); coding-DNA position 3554, A replaced by G.
Protein change: p.Lys1185Arg; replaces lysine 1185 with arginine.
Molecular consequence: missense variant.
Genome position (GRCh38, 1-based): chr3:142,540,931, T>C on the plus strand (A>G on the coding strand, the complement: ATR is on the minus strand). VCF-style: chr3-142540931-T-C. GRCh37 (hg19) VCF-style: chr3-142259773-T-C.
Other names: c.3362A>G, p.Lys1121Arg (NM_001354579.2); short protein forms K1121R, K1185R.
Identifiers: ClinVar variation 3221126 (VCV003221126.1), dbSNP rs2108438002, ClinGen allele CA354807752.